The following is an entry in ClinVar:

ClinVar aggregate classification (germline): Likely benign (1 of 4 stars; one submission).

Submission:

CeGaT Center for Human Genetics Tuebingen
Classification: Likely benign. Last evaluated: 2023-05-01. Review status: criteria provided, single submitter. Criteria: CeGaT Center For Human Genetics Tuebingen Variant Classification Criteria Version 2. Collection method: clinical testing. Allele origin: germline. Affected: yes. Observed: 1 variant allele.
Comment: RALGAPA1: PM2:Supporting, BP4, BP7

NM_001346249.2(RALGAPA1):c.1491T>C (p.Ser497=)

Gene: RALGAPA1 (Ral GTPase activating protein catalytic subunit alpha 1; minus strand). Cytogenetic location: 14q13.2.
Variant type: single nucleotide variant.
Coding change: c.1491T>C on transcript NM_001346249.2 (MANE Select); coding-DNA position 1491, T replaced by C.
Protein change: p.Ser497=; no amino-acid change (serine 497 retained).
Molecular consequence: synonymous variant.
Genome position (GRCh38, 1-based): chr14:35,738,609, A>G on the plus strand (T>C on the coding strand, the complement: RALGAPA1 is on the minus strand). VCF-style: chr14-35738609-A-G. GRCh37 (hg19) VCF-style: chr14-36207815-A-G.
Other names: c.1491T>C, p.Ser497= (NM_001346243.2, NM_001346245.2, NM_001346246.2 and 7 more transcripts).
Identifiers: ClinVar variation 2644175 (VCV002644175.24), dbSNP rs1173563247, ClinGen allele CA486028340.